The following is an entry in ClinVar:

NM_000179.3(MSH6):c.1162C>G (p.His388Asp)

Gene: MSH6 (mutS homolog 6; plus strand). Cytogenetic location: 2p16.3.
Variant type: single nucleotide variant.
Coding change: c.1162C>G on transcript NM_000179.3 (MANE Select); coding-DNA position 1162, C replaced by G.
Protein change: p.His388Asp; replaces histidine 388 with aspartic acid.
Molecular consequence: missense variant.
Genome position (GRCh38, 1-based): chr2:47,799,145, C>G. VCF-style: chr2-47799145-C-G. GRCh37 (hg19) VCF-style: chr2-48026284-C-G.
Other names: c.772C>G, p.His258Asp (NM_001281492.2); c.256C>G, p.His86Asp (NM_001281493.2, NM_001281494.2); short protein forms H388D, H258D, H86D.
Identifiers: ClinVar variation 219569 (VCV000219569.32), dbSNP rs770386388, ClinGen allele CA067228.

ClinVar aggregate classification (germline): Conflicting classifications of pathogenicity. Review status: criteria provided, conflicting classifications (1 of 4 stars). 12 submissions from 12 submitters: Uncertain significance (9); Benign (1); Likely benign (2). Last evaluated 2026-01-26.

Conditions:
MSH6-related disorder. Also called: MSH6-related condition; MSH6-Related disorders.
Hereditary nonpolyposis colorectal neoplasms. Identifiers: MedGen C0009405, MeSH D003123.
Hereditary cancer-predisposing syndrome. Also called: Neoplastic Syndromes, Hereditary; Tumor predisposition; Hereditary Cancer Syndrome; Hereditary neoplastic syndrome. Identifiers: Orphanet 140162, MedGen C0027672, MeSH D009386, MONDO:0015356.
Lynch syndrome. Identifiers: Orphanet 144, MedGen C4552100, MONDO:0005835. Disease mechanism: loss of function.
Endometrial carcinoma. Also called: Endometrial carcinoma, somatic. Identifiers: MedGen C0476089, MONDO:0002447, OMIM 608089, HP:0012114.
Lynch syndrome 5 (LYNCH5). Also called: Colorectal cancer, hereditary nonpolyposis, type 5; Hereditary non-polyposis colorectal cancer, type 5. Identifiers: Orphanet 144, MedGen C1833477, MONDO:0013710, OMIM 614350. Disease mechanism: loss of function.

Allele frequency attached by ClinVar (database versions not stated): gnomAD exomes 0.00001 and 0.00002; ExAC 0.00002; TOPMed 0.00005; gnomAD 0.00006.

Submissions (12):

Labcorp Genetics (formerly Invitae), Labcorp
Classification: Benign for Hereditary nonpolyposis colorectal neoplasms. Last evaluated: 2026-01-26. Review status: criteria provided, single submitter. Criteria: Invitae Variant Classification Sherloc (09022015). Collection method: clinical testing. Allele origin: germline.

Women's Health and Genetics/Laboratory Corporation of America, LabCorp
Classification: Likely benign. Last evaluated: 2025-12-12. Review status: criteria provided, single submitter. Criteria: LabCorp Variant Classification Summary - May 2015. Collection method: clinical testing. Allele origin: germline.
Comment: Variant summary: MSH6 c.1162C>G (p.His388Asp) results in a non-conservative amino acid change in the encoded protein sequence. Algorithms developed to predict the effect of missense changes on protein structure and function are either unavailable or do not agree on the potential impact of this missense change. The variant allele was found at a frequency of 1.1e-05 in 1613612 control chromosomes, predominantly at a frequency of 0.00021 within the African or African-American subpopulation in the gnomAD database. The observed variant frequency within African or African-American control individuals in the gnomAD database exceeds the estimated maximal expected allele frequency for disease-causing variants in MSH6. To our knowledge, no occurrence of c.1162C>G in individuals affected with MSH6-related conditions and no experimental evidence demonstrating its impact on protein function have been reported. ClinVar contains an entry for this variant (Variation ID: 219569). Based on the evidence outlined above, the variant was classified as likely benign.

PreventionGenetics, part of Exact Sciences
Classification: Uncertain significance for MSH6-related condition. Last evaluated: 2025-05-28. Review status: criteria provided, single submitter. Criteria: ACMG Guidelines, 2015. Collection method: clinical testing. Allele origin: germline.
Comment: The MSH6 c.1162C>G variant is predicted to result in the amino acid substitution p.His388Asp. This variant has been reported in a pediatric case with acute myeloid leukemia (Table S4a, Zhang et al. 2015. PubMed ID: 26580448) and in an individual with prostate cancer (Supplementary Table 2, Matejcic et al. 2020. PubMed ID: 32832836). This variant is reported in 0.024% of alleles in individuals of African descent in gnomAD and has conflicting interpretations regarding its pathogenicity in ClinVar, ranging from benign (1) to uncertain (8). At this time, the clinical significance of this variant is uncertain due to the absence of conclusive functional and genetic evidence.

Myriad Genetics, Inc.
Classification: Likely benign for Lynch syndrome 5. Last evaluated: 2024-12-23. Review status: criteria provided, single submitter. Criteria: Myriad Autosomal Dominant, Autosomal Recessive and X-Linked Classification Criteria (2023). Collection method: clinical testing. Allele origin: unknown.
Comment: This variant is considered likely benign. This variant is strongly associated with less severe personal and family histories of cancer, typical for individuals without pathogenic variants in this gene [PMID: 27363726].

Ambry Genetics
Classification: Uncertain significance for Hereditary cancer-predisposing syndrome. Last evaluated: 2024-12-18. Review status: criteria provided, single submitter. Criteria: Ambry Variant Classification Scheme 2023. Collection method: clinical testing. Allele origin: germline.
Comment: The p.H388D variant (also known as c.1162C>G), located in coding exon 4 of the MSH6 gene, results from a C to G substitution at nucleotide position 1162. The histidine at codon 388 is replaced by aspartic acid, an amino acid with similar properties. This variant was classified as benign by authors after being identified in 1/1120 pediatric cancer patients who underwent whole genome sequencing and/or whole exome sequencing; this patient was diagnosed with AML (Zhang J et al. N Engl J Med, 2015 Dec;373:2336-2346). This variant was identified as germline in a cohort of 690 patients with myeloid malignancy (Li ST et al. Leukemia, 2020 Jun;34:1675-1678) and in a cohort of 3,579 African males diagnosed with prostate cancer who underwent multi-gene panel testing of 19 DNA repair and cancer predisposition genes (Matejcic M et al. JCO Precis Oncol, 2020 Jan;4:32-43). This amino acid position is not well conserved in available vertebrate species. In addition, this alteration is predicted to be tolerated by in silico analysis. Since supporting evidence is limited at this time, the clinical significance of this alteration remains unclear.

GeneDx
Classification: Uncertain significance. Last evaluated: 2024-04-18. Review status: criteria provided, single submitter. Criteria: GeneDx Variant Classification Process June 2021. Collection method: clinical testing. Allele origin: germline. Affected: yes.
Comment: Observed in individuals with prostate cancer, acute myeloid leukemia, and unspecified myeloid malignancy (PMID: 26580448, 31911633, 32832836); In silico analysis indicates that this missense variant does not alter protein structure/function; This variant is associated with the following publications: (PMID: 17531815, 21120944, 26580448, 31911633, 32832836)

Baylor Genetics
Classification: Uncertain significance for Endometrial carcinoma. Last evaluated: 2024-03-05. Review status: criteria provided, single submitter. Criteria: ACMG Guidelines, 2015. Collection method: clinical testing. Allele origin: unknown.

All of Us Research Program, National Institutes of Health
Classification: Uncertain significance for Lynch syndrome. Last evaluated: 2024-01-03. Review status: criteria provided, single submitter. Criteria: ACMG Guidelines, 2015. Collection method: clinical testing. Allele origin: germline. Inheritance: Autosomal dominant inheritance. Observed: 2 variant alleles, 2 heterozygotes.
Comment: This missense variant replaces histidine with aspartic acid at codon 388 of the MSH6 protein. Computational prediction suggests that this variant may not impact protein structure and function (internally defined REVEL score threshold <= 0.5, PMID: 27666373). Splice site prediction tools suggest that this variant may not impact RNA splicing. To our knowledge, functional studies have not been performed for this variant. This variant has not been reported in individuals affected with hereditary cancer in the literature. This variant has been identified in 6/282324 chromosomes in the general population by the Genome Aggregation Database (gnomAD). The available evidence is insufficient to determine the role of this variant in disease conclusively. Therefore, this variant is classified as a Variant of Uncertain Significance.

This study involves interpretation of variants in research participants for the purpose of population health screening. Participant phenotype was not available at the time of variant classification. Additional details can be found in publication PMID: 35346344, PMCID: PMC8962531

Color Diagnostics, LLC DBA Color Health
Classification: Uncertain significance for Hereditary cancer-predisposing syndrome. Last evaluated: 2023-12-13. Review status: criteria provided, single submitter. Criteria: ACMG Guidelines, 2015. Collection method: clinical testing. Allele origin: germline.
Comment: This missense variant replaces histidine with aspartic acid at codon 388 of the MSH6 protein. Computational prediction suggests that this variant may not impact protein structure and function (internally defined REVEL score threshold <= 0.5, PMID: 27666373). To our knowledge, functional studies have not been reported for this variant. This variant has been reported in an individual affected with prostate cancer (PMID: 32832836). This variant has been identified in 6/282324 chromosomes in the general population by the Genome Aggregation Database (gnomAD). The available evidence is insufficient to determine the role of this variant in disease conclusively. Therefore, this variant is classified as a Variant of Uncertain Significance.

Quest Diagnostics Nichols Institute San Juan Capistrano
Classification: Uncertain significance. Last evaluated: 2023-10-31. Review status: criteria provided, single submitter. Criteria: Quest Diagnostics criteria. Collection method: clinical testing. Allele origin: unknown.
Comment: The MSH6 c.1162C>G (p.His388Asp) variant has been reported in the published literature in individuals with pediatric leukemia (PMID: 26580448 (2015)) and myeloid malignancy (PMID: 31911633 (2020)). It was also observed in a multi-gene screening study cohort for prostate cancer (PMID: 32832836 (2020)). The frequency of this variant in the general population, 0.00024 (6/24926 chromosomes (Genome Aggregation Database)), is uninformative in the assessment of its pathogenicity. Analysis of this variant using bioinformatics tools for the prediction of the effect of amino acid changes on protein structure and function yielded predictions that this variant is benign. Based on the available information, we are unable to determine the clinical significance of this variant.

Sema4
Classification: Uncertain significance for Hereditary cancer-predisposing syndrome. Last evaluated: 2021-08-10. Review status: criteria provided, single submitter. Criteria: Sema4 Curation Guidelines. Collection method: curation. Allele origin: germline.
Comment: The MSH6 c.1162C>G (p.H388D) variant has not been reported in the literature to our knowledge. This variant was observed in 6/24926 chromosomes in the African/African American population according to the Genome Aggregation Database (PMID: 32461654). The variant has been reported in ClinVar (Variation ID: 219569). Functional studies have not been performed and in silico tool predictions of the variants effect on protein function are inconclusive. The evidence is insufficient to meet ACMG/AMP criteria for classifying the variant as benign or pathogenic. Thus, the clinical significance of this variant is currently uncertain.

Laboratorio de Genetica e Diagnostico Molecular, Hospital Israelita Albert Einstein
Classification: Uncertain significance for Lynch syndrome 5. Last evaluated: 2021-07-29. Review status: criteria provided, single submitter. Criteria: ACMG Guidelines, 2015. Collection method: clinical testing. Allele origin: germline. Affected: yes.
Comment: ACMG classification criteria: BP4 supporting

Literature cited by the submitters: PubMed 27363726 (cited by Myriad Genetics, Inc.); PubMed 26580448 (cited by Ambry Genetics and Quest Diagnostics Nichols Institute San Juan Capistrano); PubMed 31911633 (cited by Ambry Genetics and Quest Diagnostics Nichols Institute San Juan Capistrano); PubMed 32832836 (cited by 3 submitters).